The following is an entry in ClinVar:

NM_001261826.3(AP3D1):c.1129G>T (p.Val377Leu)

Gene: AP3D1 (adaptor related protein complex 3 subunit delta 1; minus strand). Cytogenetic location: 19p13.3.
Variant type: single nucleotide variant.
Coding change: c.1129G>T on transcript NM_001261826.3 (MANE Select); coding-DNA position 1129, G replaced by T.
Protein change: p.Val377Leu; replaces valine 377 with leucine.
Molecular consequence: missense variant.
Genome position (GRCh38, 1-based): chr19:2,121,284, C>A on the plus strand (G>T on the coding strand, the complement: AP3D1 is on the minus strand). VCF-style: chr19-2121284-C-A. GRCh37 (hg19) VCF-style: chr19-2121283-C-A.
Other names: c.1129G>T, p.Val377Leu (NM_001374799.1, NM_003938.8); short protein forms V377L.
Identifiers: ClinVar variation 3672923 (VCV003672923.2).
Genomic context (GRCh38, chr19:2,121,284, plus strand): 5'-GCAGCTCGTCACGGTAGGTGGTACCCTCTGCCTTGTCTACGTGGGTCATCAGCTTCTTCA[C>A]GATCTCCATCAGGTTCTTCTTGGACACCTGGGCAAAAGTGTACAGACAGTGGTGAGAGCG-3'
Protein context (NP_001248755.1, residues 367-387): MVSKKNLMEI[Val377Leu]KKLMTHVDKA

ClinVar aggregate classification (germline): Uncertain significance (1 of 4 stars; one submission).

gnomAD v4.1: 2 of 1,614,180 alleles (0.00012%); highest among the groups gnomAD compares: Non-Finnish European, 0.00017%; no homozygotes.

Submission:

Labcorp Genetics (formerly Invitae), Labcorp
Classification: Uncertain significance. Last evaluated: 2025-03-27. Review status: criteria provided, single submitter. Criteria: Invitae Variant Classification Sherloc (09022015). Collection method: clinical testing. Allele origin: germline.
Comment: This sequence change replaces valine, which is neutral and non-polar, with leucine, which is neutral and non-polar, at codon 377 of the AP3D1 protein (p.Val377Leu). This variant is present in population databases (rs769412492, gnomAD 0.0009%). This variant has not been reported in the literature in individuals affected with AP3D1-related conditions. An algorithm developed to predict the effect of missense changes on protein structure and function (PolyPhen-2) suggests that this variant is likely to be disruptive. In summary, the available evidence is currently insufficient to determine the role of this variant in disease. Therefore, it has been classified as a Variant of Uncertain Significance.